The following is an entry in ClinVar:

ClinVar aggregate classification (germline): Uncertain significance. Review status: criteria provided, multiple submitters, no conflicts (2 of 4 stars). 3 submissions from 3 submitters: Uncertain significance (3). Last evaluated 2025-05-05.

Conditions:
Hereditary cancer-predisposing syndrome. Also called: Neoplastic Syndromes, Hereditary; Tumor predisposition; Hereditary Cancer Syndrome; Hereditary neoplastic syndrome. Identifiers: Orphanet 140162, MedGen C0027672, MeSH D009386, MONDO:0015356.

Submissions (3):

Ambry Genetics
Classification: Uncertain significance for Hereditary cancer-predisposing syndrome. Last evaluated: 2025-05-05. Review status: criteria provided, single submitter. Criteria: Ambry Variant Classification Scheme 2023. Collection method: clinical testing. Allele origin: germline.
Comment: The c.997G>C variant (also known as p.A333P), located in coding exon 11 of the MUTYH gene, results from a G to C substitution at nucleotide position 997. The amino acid change results in alanine to proline at codon 333, an amino acid with highly similar properties. However, this change occurs in the last base pair of coding exon 11, which makes it likely to have some effect on normal mRNA splicing. This nucleotide position is well conserved in available vertebrate species. This amino acid position is not well conserved in available vertebrate species. In silico splice site analysis predicts that this alteration will weaken the native splice donor site; however, direct evidence is insufficient at this time (Ambry internal data). In addition, as a missense substitution this is predicted to be tolerated by in silico analysis. Since supporting evidence is limited at this time, the clinical significance of this alteration remains unclear.

Genetic Services Laboratory, University of Chicago
Classification: Uncertain significance. Last evaluated: 2021-07-19. Review status: criteria provided, single submitter. Criteria: ACMG Guidelines, 2015. Collection method: clinical testing. Allele origin: germline. Affected: no.
Comment: DNA sequence analysis of the MUTYH gene demonstrated a sequence change, c.997G>C, in exon 11 that results in an amino acid change, p.Ala333Pro. This sequence change does not appear to have been previously described in individuals with MUTYH-related disorders. This sequence change is absent in the gnomAD population database. The p.Ala333Pro change affects a moderately conserved amino acid residue of the MUTYH protein. In-silico pathogenicity prediction tools (SIFT, PolyPhen2, Align GVGD, REVEL) provide contradictory results for the p.Ala333Pro substitution. Due to these contrasting evidences and the lack of functional studies, the clinical significance of the p.Ala333Pro change remains unknown at this time.

Color Diagnostics, LLC DBA Color Health
Classification: Uncertain significance for Hereditary cancer-predisposing syndrome. Last evaluated: 2019-06-30. Review status: criteria provided, single submitter. Criteria: ACMG Guidelines, 2015. Collection method: clinical testing. Allele origin: germline.

NM_001048174.2(MUTYH):c.913G>C (p.Ala305Pro)

Gene: MUTYH (mutY DNA glycosylase; minus strand). Cytogenetic location: 1p34.1.
Variant type: single nucleotide variant.
Coding change: c.913G>C on transcript NM_001048174.2 (MANE Select); coding-DNA position 913, G replaced by C.
Protein change: p.Ala305Pro; replaces alanine 305 with proline.
Molecular consequence: missense variant. On other transcripts: non-coding transcript variant (2).
Genome position (GRCh38, 1-based): chr1:45,332,023, C>G on the plus strand (G>C on the coding strand, the complement: MUTYH is on the minus strand). VCF-style: chr1-45332023-C-G. GRCh37 (hg19) VCF-style: chr1-45797695-C-G.
Other names: c.913G>C, p.Ala305Pro (NM_001048171.2, NM_001048173.2, NM_001293195.2); c.916G>C, p.Ala306Pro (NM_001048172.2); c.997G>C, p.Ala333Pro (NM_001128425.2); c.958G>C, p.Ala320Pro (NM_001293190.2); c.946G>C, p.Ala316Pro (NM_001293191.2); c.637G>C, p.Ala213Pro (NM_001293192.2, NM_001293196.2); c.568G>C, p.Ala190Pro (NM_001350650.2, NM_001350651.2); c.988G>C, p.Ala330Pro (NM_012222.3); short protein forms A333P, A316P, A320P, A213P, A306P, A330P, A190P, A305P.
Identifiers: ClinVar variation 483927 (VCV000483927.12), dbSNP rs1553127251, ClinGen allele CA340133997.